The following is an entry in ClinVar:

ClinVar aggregate classification (germline): Pathogenic (1 of 4 stars; one submission).

Conditions:
Primary ciliary dyskinesia. Also called: Ciliary dyskinesia. Identifiers: Orphanet 244, MedGen C0008780, MONDO:0016575, HP:0012265.

Submission:

Labcorp Genetics (formerly Invitae), Labcorp
Classification: Pathogenic for Primary ciliary dyskinesia. Last evaluated: 2024-10-13. Review status: criteria provided, single submitter. Criteria: Invitae Variant Classification Sherloc (09022015). Collection method: clinical testing. Allele origin: germline.
Comment: This sequence change creates a premature translational stop signal (p.Trp2404Glufs*7) in the DNAH8 gene. It is expected to result in an absent or disrupted protein product. Loss-of-function variants in DNAH8 are known to be pathogenic (PMID: 24307375, 32619401, 32681648). This variant is not present in population databases (gnomAD no frequency). This variant has not been reported in the literature in individuals affected with DNAH8-related conditions. For these reasons, this variant has been classified as Pathogenic.

Literature cited by the submitters: PubMed 24307375; PubMed 32619401; PubMed 32681648.

NM_001206927.2(DNAH8):c.7210_7211del (p.Trp2404fs)

Gene: DNAH8 (dynein axonemal heavy chain 8; plus strand). Cytogenetic location: 6p21.2.
Variant type: Microsatellite.
Coding change: c.7210_7211del on transcript NM_001206927.2 (MANE Select); coding-DNA positions 7210 to 7211, 2 bases deleted (TG; older notation c.7210_7211delTG).
Protein change: p.Trp2404fs; shifts the reading frame from tryptophan 2404.
Molecular consequence: frameshift variant.
Genome position (GRCh38, 1-based): chr6:38,872,755-38,872,756, TG deleted; deleting any 2 consecutive bases within chr6:38,872,753-38,872,756 gives the same sequence; the c. name uses the placement nearest the transcript's 3' end. VCF-style (leftmost placement, unchanged base first): chr6-38872752-CTG-C. GRCh37 (hg19) VCF-style: chr6-38840528-CTG-C.
Other names: c.6559_6560del, p.Trp2187fs (NM_001371.4); short protein forms W2187fs, W2404fs.
Identifiers: ClinVar variation 3684802 (VCV003684802.2).